The following is an entry in ClinVar:

NM_017617.5(NOTCH1):c.1306T>C (p.Phe436Leu)

Gene: NOTCH1 (notch receptor 1; minus strand). Cytogenetic location: 9q34.3.
Variant type: single nucleotide variant.
Coding change: c.1306T>C on transcript NM_017617.5 (MANE Select); coding-DNA position 1306, T replaced by C.
Protein change: p.Phe436Leu; replaces phenylalanine 436 with leucine.
Molecular consequence: missense variant.
Genome position (GRCh38, 1-based): chr9:136,517,887, A>G on the plus strand (T>C on the coding strand, the complement: NOTCH1 is on the minus strand). VCF-style: chr9-136517887-A-G. GRCh37 (hg19) VCF-style: chr9-139412339-A-G.
Other names: short protein forms F436L.
Identifiers: ClinVar variation 4725002 (VCV004725002.1).
Genomic context (GRCh38, chr9:136,517,887, plus strand): 5'-ACTCGTTGACGTCGATCTCGCATCGGGGGCCCGTGTAGCCCTGCAGACACTGGCACTCGA[A>G]GGAGCCCAGCGTGTTGATGCACTTGCCCGCATGCTCGCAGGGGTTGGCACCTGGCGAGGG-3'
Protein context (NP_060087.3, residues 426-446): AGKCINTLGS[Phe436Leu]ECQCLQGYTG

ClinVar aggregate classification (germline): Uncertain significance (1 of 4 stars; one submission).

Conditions:
Adams-Oliver syndrome 5 (AOS5). Identifiers: Orphanet 974, MedGen C4014970, MONDO:0014459, OMIM 616028.

Submission:

Labcorp Genetics (formerly Invitae), Labcorp
Classification: Uncertain significance for Adams-Oliver syndrome 5. Last evaluated: 2025-08-07. Review status: criteria provided, single submitter. Criteria: Invitae Variant Classification Sherloc (09022015). Collection method: clinical testing. Allele origin: germline.
Comment: This sequence change replaces phenylalanine, which is neutral and non-polar, with leucine, which is neutral and non-polar, at codon 436 of the NOTCH1 protein (p.Phe436Leu). This variant is not present in population databases (gnomAD no frequency). This variant has not been reported in the literature in individuals affected with NOTCH1-related conditions. An algorithm developed to predict the effect of missense changes on protein structure and function (PolyPhen-2) suggests that this variant is likely to be disruptive. In summary, the available evidence is currently insufficient to determine the role of this variant in disease. Therefore, it has been classified as a Variant of Uncertain Significance.